The following is an entry in ClinVar:

ClinVar aggregate classification (germline): Uncertain significance (1 of 4 stars; one submission).

Conditions:
LRPAP1-related disorder. Also called: LRPAP1-related condition.

Submission:

PreventionGenetics, part of Exact Sciences
Classification: Uncertain significance for LRPAP1-related condition. Last evaluated: 2024-12-16. Review status: criteria provided, single submitter. Criteria: ACMG Guidelines, 2015. Collection method: clinical testing. Allele origin: germline.
Comment: The LRPAP1 c.22T>A variant is predicted to result in the amino acid substitution p.Ser8Thr. To our knowledge, this variant has not been reported in the literature. This variant is present in 0.0012% of alleles in individuals of European (Non-Finnish) descent in gnomAD. At this time, the clinical significance of this variant is uncertain due to the absence of conclusive functional and genetic evidence.

NM_002337.4(LRPAP1):c.22T>A (p.Ser8Thr)

Genes: LRPAP1 (LDL receptor related protein associated protein 1; minus strand), LOC129992120 (ATAC-STARR-seq lymphoblastoid active region 21225; plus strand). Cytogenetic location: 4p16.3.
Variant type: single nucleotide variant.
Coding change: c.22T>A on transcript NM_002337.4 (MANE Select); coding-DNA position 22, T replaced by A.
Protein change: p.Ser8Thr; replaces serine 8 with threonine.
Molecular consequence: missense variant.
Genome position (GRCh38, 1-based): chr4:3,532,391, A>T on the plus strand (T>A on the coding strand, the complement: LRPAP1 is on the minus strand). VCF-style: chr4-3532391-A-T. GRCh37 (hg19) VCF-style: chr4-3534118-A-T.
Other names: short protein forms S8T.
Identifiers: ClinVar variation 4999699 (VCV004999699.1).